The following is an entry in ClinVar:

ClinVar aggregate classification (germline): Uncertain significance (1 of 4 stars; one submission).

Conditions:
Dilated cardiomyopathy 1DD (CMD1DD). Identifiers: Orphanet 154, MedGen C2750995, MONDO:0013168, OMIM 613172.

Submission:

Labcorp Genetics (formerly Invitae), Labcorp
Classification: Uncertain significance for Dilated cardiomyopathy 1DD. Last evaluated: 2023-12-07. Review status: criteria provided, single submitter. Criteria: Invitae Variant Classification Sherloc (09022015). Collection method: clinical testing. Allele origin: germline.
Comment: This sequence change replaces lysine, which is basic and polar, with threonine, which is neutral and polar, at codon 383 of the RBM20 protein (p.Lys383Thr). This variant is not present in population databases (gnomAD no frequency). This variant has not been reported in the literature in individuals affected with RBM20-related conditions. ClinVar contains an entry for this variant (Variation ID: 1902050). Advanced modeling of protein sequence and biophysical properties (such as structural, functional, and spatial information, amino acid conservation, physicochemical variation, residue mobility, and thermodynamic stability) performed at Invitae indicates that this missense variant is not expected to disrupt RBM20 protein function with a negative predictive value of 95%. In summary, the available evidence is currently insufficient to determine the role of this variant in disease. Therefore, it has been classified as a Variant of Uncertain Significance.

NM_001134363.3(RBM20):c.1148A>C (p.Lys383Thr)

Gene: RBM20 (RNA binding motif protein 20; plus strand). Cytogenetic location: 10q25.2.
Variant type: single nucleotide variant.
Coding change: c.1148A>C on transcript NM_001134363.3 (MANE Select); coding-DNA position 1148, A replaced by C.
Protein change: p.Lys383Thr; replaces lysine 383 with threonine.
Molecular consequence: missense variant.
Genome position (GRCh38, 1-based): chr10:110,781,757, A>C. VCF-style: chr10-110781757-A-C. GRCh37 (hg19) VCF-style: chr10-112541515-A-C.
Other names: short protein forms K383T.
Identifiers: ClinVar variation 1902050 (VCV001902050.5), dbSNP rs2493413591, ClinGen allele CA378385779.